The following is an entry in ClinVar:

ClinVar aggregate classification (germline): Uncertain significance. Review status: criteria provided, multiple submitters, no conflicts (2 of 4 stars). 2 submissions from 2 submitters: Uncertain significance (2). Last evaluated 2025-11-24.

Conditions:
Inborn genetic diseases. Identifiers: MedGen C0950123, MeSH D030342.
PHGDH deficiency. Identifiers: Orphanet 79351, MedGen C1866174, MONDO:0011152, OMIM 601815.

Allele frequency attached by ClinVar (database versions not stated): ExAC 0.00007; 1000 Genomes Project 30x 0.00016; 1000 Genomes Project 0.00020.
gnomAD v4.1: 28 of 1,614,150 alleles (0.0017%); highest among the groups gnomAD compares: Admixed American, 0.012%; no homozygotes.

Submissions (2):

Ambry Genetics
Classification: Uncertain significance for Inborn genetic diseases. Last evaluated: 2025-11-24. Review status: criteria provided, single submitter. Criteria: Ambry Variant Classification Scheme 2023. Collection method: clinical testing. Allele origin: germline.

Labcorp Genetics (formerly Invitae), Labcorp
Classification: Uncertain significance for PHGDH deficiency. Last evaluated: 2022-03-02. Review status: criteria provided, single submitter. Criteria: Invitae Variant Classification Sherloc (09022015). Collection method: clinical testing. Allele origin: germline.
Comment: This sequence change replaces arginine, which is basic and polar, with leucine, which is neutral and non-polar, at codon 460 of the PHGDH protein (p.Arg460Leu). This variant is present in population databases (rs587696887, gnomAD 0.02%). This variant has not been reported in the literature in individuals affected with PHGDH-related conditions. Algorithms developed to predict the effect of missense changes on protein structure and function (SIFT, PolyPhen-2, Align-GVGD) all suggest that this variant is likely to be tolerated. In summary, the available evidence is currently insufficient to determine the role of this variant in disease. Therefore, it has been classified as a Variant of Uncertain Significance.

NM_006623.4(PHGDH):c.1379G>T (p.Arg460Leu)

Gene: PHGDH (phosphoglycerate dehydrogenase; plus strand). Cytogenetic location: 1p12.
Variant type: single nucleotide variant.
Coding change: c.1379G>T on transcript NM_006623.4 (MANE Select); coding-DNA position 1379, G replaced by T.
Protein change: p.Arg460Leu; replaces arginine 460 with leucine.
Molecular consequence: missense variant.
Genome position (GRCh38, 1-based): chr1:119,742,976, G>T. VCF-style: chr1-119742976-G-T. GRCh37 (hg19) VCF-style: chr1-120285599-G-T.
Other names: c.1379G>T (NM_006623.3); short protein forms R460L.
Identifiers: ClinVar variation 1396455 (VCV001396455.6), dbSNP rs587696887, ClinGen allele CA1037443.